The following is an entry in ClinVar:

NM_000393.5(COL5A2):c.3379C>T (p.Arg1127Cys)

Gene: COL5A2 (collagen type V alpha 2 chain; minus strand). Cytogenetic location: 2q32.2.
Variant type: single nucleotide variant.
Coding change: c.3379C>T on transcript NM_000393.5 (MANE Select); coding-DNA position 3379, C replaced by T.
Protein change: p.Arg1127Cys; replaces arginine 1127 with cysteine.
Molecular consequence: missense variant.
Genome position (GRCh38, 1-based): chr2:189,043,243, G>A on the plus strand (C>T on the coding strand, the complement: COL5A2 is on the minus strand). VCF-style: chr2-189043243-G-A. GRCh37 (hg19) VCF-style: chr2-189907969-G-A.
Other names: short protein forms R1127C.
Identifiers: ClinVar variation 333135 (VCV000333135.9), dbSNP rs886055354, ClinGen allele CA10611792.

ClinVar aggregate classification (germline): Conflicting classifications of pathogenicity. Review status: criteria provided, conflicting classifications (1 of 4 stars). 2 submissions from 2 submitters: Uncertain significance (1); Likely benign (1). Last evaluated 2025-08-26.

Conditions:
Ehlers-Danlos syndrome, classic type, 1 (EDSCL1). Also called: Ehlers-Danlos syndrome, type 1; EHLERS-DANLOS SYNDROME, GRAVIS TYPE; EHLERS-DANLOS SYNDROME, SEVERE CLASSIC TYPE; Ehlers-Danlos Syndrome, Classic Type, COL5A1-Related; EDS I. Identifiers: MedGen C0268335, MONDO:0019567, OMIM 130000.

Allele frequency attached by ClinVar (database versions not stated): gnomAD 0.00001; gnomAD exomes 0.00001 and below 0.00001; TOPMed below 0.00001.
gnomAD v4.1: 4 of 1,612,134 alleles (0.00025%); highest among the groups gnomAD compares: East Asian, 0.0045%; no homozygotes.

Submissions (2):

Labcorp Genetics (formerly Invitae), Labcorp
Classification: Likely benign for Ehlers-Danlos syndrome, classic type, 1. Last evaluated: 2025-08-26. Review status: criteria provided, single submitter. Criteria: Invitae Variant Classification Sherloc (09022015). Collection method: clinical testing. Allele origin: germline.

GeneDx
Classification: Uncertain significance. Last evaluated: 2024-03-27. Review status: criteria provided, single submitter. Criteria: GeneDx Variant Classification Process June 2021. Collection method: clinical testing. Allele origin: germline. Affected: yes.
Comment: Reported in an individual with features of classic Ehlers-Danlos syndrome who also harbored a pathogenic variant in COL5A1 and a second variant in COL5A2; however, segregation information was not provided (Cortini F et al. (2018) Meta Gene. 18 :132-136); Not observed at significant frequency in large population cohorts (gnomAD); In silico analysis supports that this missense variant has a deleterious effect on protein structure/function; This variant is associated with the following publications: (PMID: Cortini2018[CaseReport])